The following is an entry in ClinVar:

ClinVar aggregate classification (germline): Uncertain significance (1 of 4 stars; one submission).

Conditions:
Spondylocostal dysostosis 3, autosomal recessive (SCDO3). Also called: LFNG-Related Spondylocostal Dysostosis, Autosomal Recessive. Identifiers: Orphanet 2311, MedGen C1853296, MONDO:0012349, OMIM 609813.

Allele frequency attached by ClinVar (database versions not stated): gnomAD exomes below 0.00001; gnomAD 0.00001; TOPMed 0.00002.

Submission:

Labcorp Genetics (formerly Invitae), Labcorp
Classification: Uncertain significance for Spondylocostal dysostosis 3, autosomal recessive. Last evaluated: 2020-06-26. Review status: criteria provided, single submitter. Criteria: Invitae Variant Classification Sherloc (09022015). Collection method: clinical testing. Allele origin: germline.
Comment: This sequence change replaces glycine with serine at codon 256 of the LFNG protein (p.Gly256Ser). The glycine residue is highly conserved and there is a small physicochemical difference between glycine and serine. This variant is not present in population databases (ExAC no frequency). This variant has not been reported in the literature in individuals with LFNG-related conditions. Algorithms developed to predict the effect of missense changes on protein structure and function (SIFT, PolyPhen-2, Align-GVGD) all suggest that this variant is likely to be disruptive, but these predictions have not been confirmed by published functional studies and their clinical significance is uncertain. Algorithms developed to predict the effect of sequence changes on RNA splicing suggest that this variant may create or strengthen a splice site, but this prediction has not been confirmed by published transcriptional studies. In summary, the available evidence is currently insufficient to determine the role of this variant in disease. Therefore, it has been classified as a Variant of Uncertain Significance.

NM_001040167.2(LFNG):c.766G>A (p.Gly256Ser)

Gene: LFNG (LFNG O-fucosylpeptide 3-beta-N-acetylglucosaminyltransferase; plus strand). Cytogenetic location: 7p22.3.
Variant type: single nucleotide variant.
Coding change: c.766G>A on transcript NM_001040167.2 (MANE Select); coding-DNA position 766, G replaced by A.
Protein change: p.Gly256Ser; replaces glycine 256 with serine.
Molecular consequence: missense variant.
Genome position (GRCh38, 1-based): chr7:2,525,715, G>A. VCF-style: chr7-2525715-G-A. GRCh37 (hg19) VCF-style: chr7-2565349-G-A.
Other names: c.766G>A, p.Gly256Ser (NM_001040168.2); c.553G>A, p.Gly185Ser (NM_001166355.2); c.379G>A, p.Gly127Ser (NM_002304.3); short protein forms G127S, G185S, G256S.
Identifiers: ClinVar variation 1003507 (VCV001003507.8), dbSNP rs1437427476, ClinGen allele CA366618703.